The following is an entry in ClinVar:

ClinVar aggregate classification (germline): Conflicting classifications of pathogenicity. Review status: criteria provided, conflicting classifications (1 of 4 stars). 5 submissions from 5 submitters: Uncertain significance (4); Likely benign (1). Last evaluated 2025-02-28.

Conditions:
Inborn genetic diseases. Identifiers: MedGen C0950123, MeSH D030342.
Merosin deficient congenital muscular dystrophy (MDC1A). Also called: Congenital Muscular Dystrophy Type 1A (MDC1A); Congenital merosin-deficient muscular dystrophy 1A. Identifiers: Orphanet 258, MedGen C1263858, MONDO:0011925, OMIM 607855.
LAMA2-related muscular dystrophy (LAMA2-RD). Also called: Laminin alpha 2-related dystrophy. Identifiers: MedGen C5679788, MONDO:0100228.

Allele frequency attached by ClinVar (database versions not stated): gnomAD 0.00001; gnomAD exomes 0.00001 and 0.00002; TOPMed 0.00001; ExAC 0.00002; ESP Exome Variant Server 0.00008.
gnomAD v4.1: 15 of 1,613,796 alleles (0.00093%); highest among the groups gnomAD compares: Middle Eastern, 0.033%; no homozygotes.

Submissions (5):

Ambry Genetics
Classification: Uncertain significance for Inborn genetic diseases. Last evaluated: 2025-02-28. Review status: criteria provided, single submitter. Criteria: Ambry Variant Classification Scheme 2023. Collection method: clinical testing. Allele origin: germline.

Blueprint Genetics
Classification: Uncertain significance. Last evaluated: 2024-02-21. Review status: criteria provided, single submitter. Criteria: ACMG Guidelines, 2015. Collection method: clinical testing. Allele origin: germline.

Labcorp Genetics (formerly Invitae), Labcorp
Classification: Uncertain significance for LAMA2-related muscular dystrophy. Last evaluated: 2022-08-19. Review status: criteria provided, single submitter. Criteria: Invitae Variant Classification Sherloc (09022015). Collection method: clinical testing. Allele origin: germline.
Comment: This sequence change replaces glutamic acid, which is acidic and polar, with lysine, which is basic and polar, at codon 1567 of the LAMA2 protein (p.Glu1567Lys). This variant is present in population databases (rs371388948, gnomAD 0.01%). This variant has not been reported in the literature in individuals affected with LAMA2-related conditions. ClinVar contains an entry for this variant (Variation ID: 575679). Advanced modeling of protein sequence and biophysical properties (such as structural, functional, and spatial information, amino acid conservation, physicochemical variation, residue mobility, and thermodynamic stability) performed at Invitae indicates that this missense variant is not expected to disrupt LAMA2 protein function. In summary, the available evidence is currently insufficient to determine the role of this variant in disease. Therefore, it has been classified as a Variant of Uncertain Significance.

GeneDx
Classification: Likely benign. Last evaluated: 2020-12-23. Review status: criteria provided, single submitter. Criteria: GeneDx Variant Classification Process June 2021. Collection method: clinical testing. Allele origin: germline. Affected: yes.

Baylor Genetics
Classification: Uncertain significance for Merosin deficient congenital muscular dystrophy. Last evaluated: 2018-12-13. Review status: criteria provided, single submitter. Criteria: ACMG Guidelines, 2015. Collection method: clinical testing. Allele origin: maternal. Affected: yes.
Comment: This variant was determined to be of uncertain significance according to ACMG Guidelines, 2015 [PMID:25741868].

NM_000426.4(LAMA2):c.4699G>A (p.Glu1567Lys)

Gene: LAMA2 (laminin subunit alpha 2; plus strand). Cytogenetic location: 6q22.33.
Variant type: single nucleotide variant.
Coding change: c.4699G>A on transcript NM_000426.4 (MANE Select); coding-DNA position 4699, G replaced by A.
Protein change: p.Glu1567Lys; replaces glutamic acid 1567 with lysine.
Molecular consequence: missense variant.
Genome position (GRCh38, 1-based): chr6:129,353,339, G>A. VCF-style: chr6-129353339-G-A. GRCh37 (hg19) VCF-style: chr6-129674484-G-A.
Other names: c.4699G>A, p.Glu1567Lys (NM_001079823.2); short protein forms E1567K.
Identifiers: ClinVar variation 575679 (VCV000575679.9), dbSNP rs371388948, ClinGen allele CA3993634.